The following is an entry in ClinVar:

ClinVar aggregate classification (germline): Uncertain significance (1 of 4 stars; one submission).

gnomAD v4.1: 3 of 1,606,578 alleles (0.00019%); highest among the groups gnomAD compares: Non-Finnish European, 0.00026%; no homozygotes.

Submission:

GeneDx
Classification: Uncertain significance. Last evaluated: 2025-03-26. Review status: criteria provided, single submitter. Criteria: GeneDx Variant Classification Process June 2021. Collection method: clinical testing. Allele origin: germline. Affected: yes.
Comment: In silico analysis supports a deleterious effect on splicing; Has not been previously published as pathogenic or benign to our knowledge

NM_173076.3(ABCA12):c.508-9T>A

Gene: ABCA12 (ATP binding cassette subfamily A member 12; minus strand). Cytogenetic location: 2q35.
Variant type: single nucleotide variant.
Coding change: c.508-9T>A on transcript NM_173076.3 (MANE Select); 9 bases into the intron before coding-DNA position 508, T replaced by A.
Molecular consequence: intron variant.
Genome position (GRCh38, 1-based): chr2:215,049,820, A>T on the plus strand (T>A on the coding strand, the complement: ABCA12 is on the minus strand). VCF-style: chr2-215049820-A-T. GRCh37 (hg19) VCF-style: chr2-215914544-A-T.
Identifiers: ClinVar variation 4088135 (VCV004088135.1).